The following is an entry in ClinVar:

ClinVar aggregate classification (germline): Uncertain significance (1 of 4 stars; one submission).

Submission:

Labcorp Genetics (formerly Invitae), Labcorp
Classification: Uncertain significance. Last evaluated: 2026-01-25. Review status: criteria provided, single submitter. Criteria: Invitae Variant Classification Sherloc (09022015). Collection method: clinical testing. Allele origin: germline.
Comment: This sequence change affects codon 146 of the OR2W3 mRNA. It is a 'silent' change, meaning that it does not change the encoded amino acid sequence of the OR2W3 protein. This variant is not present in population databases (gnomAD no frequency). This variant has not been reported in the literature in individuals affected with OR2W3-related conditions. In summary, the available evidence is currently insufficient to determine the role of this variant in disease. Therefore, it has been classified as a Variant of Uncertain Significance.

NM_001001957.2(OR2W3):c.438A>G (p.Ser146=)

Gene: OR2W3 (olfactory receptor family 2 subfamily W member 3; plus strand). Cytogenetic location: 1q44.
Variant type: single nucleotide variant.
Coding change: c.438A>G on transcript NM_001001957.2 (MANE Select); coding-DNA position 438, A replaced by G.
Protein change: p.Ser146=; no amino-acid change (serine 146 retained).
Molecular consequence: synonymous variant.
Genome position (GRCh38, 1-based): chr1:247,896,024, A>G. VCF-style: chr1-247896024-A-G. GRCh37 (hg19) VCF-style: chr1-248059326-A-G.
Identifiers: ClinVar variation 4695699 (VCV004695699.1).